The following is an entry in ClinVar:

NM_003001.5(SDHC):c.316dup (p.Leu106fs)

Gene: SDHC (succinate dehydrogenase complex subunit C; plus strand). Cytogenetic location: 1q23.3.
Variant type: Duplication.
Coding change: c.316dup on transcript NM_003001.5 (MANE Select); coding-DNA position 316, one base duplicated (C; older notation c.316dupC).
Protein change: p.Leu106fs; shifts the reading frame from leucine 106.
Molecular consequence: frameshift variant. On other transcripts: non-coding transcript variant (1), intron variant (3).
Genome position (GRCh38, 1-based): chr1:161,356,751, C duplicated; the last of 3 consecutive C bases (chr1:161,356,749-161,356,751); duplicating any one gives the same sequence. VCF-style (leftmost placement, unchanged base first): chr1-161356748-T-TC. GRCh37 (hg19) VCF-style: chr1-161326538-T-TC.
Other names: c.214dup, p.Leu72fs (NM_001035512.3); c.157dup, p.Leu53fs (NM_001035513.3); c.436dup, p.Leu146fs (NM_001407115.1); c.259dup, p.Leu87fs (NM_001407116.1); c.253dup, p.Leu85fs (NM_001407117.1); c.208dup, p.Leu70fs (NM_001407118.1); c.205dup, p.Leu69fs (NM_001407119.1, NM_001407120.1); c.242-5578dup (NM_001035511.3); and 2 more; short protein forms L106fs, L146fs, L53fs, L69fs, L70fs, L72fs, L85fs, L87fs.
Identifiers: ClinVar variation 3759941 (VCV003759941.2).
Genomic context (GRCh38, chr1:161,356,748, plus strand): 5'-TTTGGCATGTCGGCCCTGTTACTCCCTGGGAACTTTGAGTCTTATTTGGAACTTGTGAAG[T>TC]CCCTGTGTCTGGGGCCAGCACTGATCCACACAGCTAAGTTTGCACTTGTCTTCCCTCTCA-3'

ClinVar aggregate classification (germline): Pathogenic (1 of 4 stars; one submission).

Conditions:
Gastrointestinal stromal tumor. Also called: Gastrointestinal stromal tumor, somatic; Gastrointestinal stroma tumor. Identifiers: Orphanet 44890, MedGen C0238198, MeSH D046152, MONDO:0011719, OMIM 606764, HP:0100723.
Pheochromocytoma/paraganglioma syndrome 3. Also called: GLOMUS TUMORS, FAMILIAL, 3; Paragangliomas 3; SDHC-Related Hereditary Paraganglioma-Pheochromocytoma Syndrome (Paragangliomas 3); SDHC-Related Hereditary Paraganglioma-Pheochromocytoma Syndrome. Identifiers: Orphanet 29072, MedGen C1854336, MONDO:0011544, OMIM 605373.

Submission:

Labcorp Genetics (formerly Invitae), Labcorp
Classification: Pathogenic for Pheochromocytoma/paraganglioma syndrome 3; Gastrointestinal stromal tumor. Last evaluated: 2024-12-02. Review status: criteria provided, single submitter. Criteria: Invitae Variant Classification Sherloc (09022015). Collection method: clinical testing. Allele origin: germline.
Comment: This sequence change creates a premature translational stop signal (p.Leu106Profs*12) in the SDHC gene. It is expected to result in an absent or disrupted protein product. Loss-of-function variants in SDHC are known to be pathogenic (PMID: 17667967, 19454582, 23282968, 24758179). This variant is not present in population databases (gnomAD no frequency). This variant has not been reported in the literature in individuals affected with SDHC-related conditions. For these reasons, this variant has been classified as Pathogenic.

Literature cited by the submitters: PubMed 17667967; PubMed 19454582; PubMed 23282968; PubMed 24758179.